The following is an entry in ClinVar:

ClinVar aggregate classification (germline): Uncertain significance (1 of 4 stars; one submission).

Allele frequency attached by ClinVar (database versions not stated): gnomAD 0.00001; TOPMed 0.00002.
gnomAD v4.1: 3 of 1,562,134 alleles (0.00019%); highest among the groups gnomAD compares: Non-Finnish European, 0.00026%; no homozygotes.

Submission:

Labcorp Genetics (formerly Invitae), Labcorp
Classification: Uncertain significance. Last evaluated: 2021-10-09. Review status: criteria provided, single submitter. Criteria: Invitae Variant Classification Sherloc (09022015). Collection method: clinical testing. Allele origin: germline.
Comment: This variant has not been reported in the literature in individuals affected with VPS13C-related conditions. In summary, the available evidence is currently insufficient to determine the role of this variant in disease. Therefore, it has been classified as a Variant of Uncertain Significance. Algorithms developed to predict the effect of sequence changes on RNA splicing suggest that this variant may create or strengthen a splice site. Algorithms developed to predict the effect of missense changes on protein structure and function are either unavailable or do not agree on the potential impact of this missense change (SIFT: "Tolerated"; PolyPhen-2: "Possibly Damaging"; Align-GVGD: "Class C0"). This variant is not present in population databases (ExAC no frequency). This sequence change replaces leucine with valine at codon 339 of the VPS13C protein (p.Leu339Val). The leucine residue is moderately conserved and there is a small physicochemical difference between leucine and valine.

NM_020821.3(VPS13C):c.1015T>G (p.Leu339Val)

Gene: VPS13C (vacuolar protein sorting 13 homolog C; minus strand). Cytogenetic location: 15q22.2.
Variant type: single nucleotide variant.
Coding change: c.1015T>G on transcript NM_020821.3 (MANE Select); coding-DNA position 1015, T replaced by G.
Protein change: p.Leu339Val; replaces leucine 339 with valine.
Molecular consequence: missense variant.
Genome position (GRCh38, 1-based): chr15:62,008,758, A>C on the plus strand (T>G on the coding strand, the complement: VPS13C is on the minus strand). VCF-style: chr15-62008758-A-C. GRCh37 (hg19) VCF-style: chr15-62300957-A-C.
Other names: c.1015T>G, p.Leu339Val (NM_001018088.3); c.886T>G, p.Leu296Val (NM_017684.5, NM_018080.4); short protein forms L296V, L339V.
Identifiers: ClinVar variation 1441789 (VCV001441789.6), dbSNP rs781371257, ClinGen allele CA392688685.